The following is an entry in ClinVar:

ClinVar aggregate classification (germline): Likely benign. Review status: criteria provided, multiple submitters, no conflicts (2 of 4 stars). 3 submissions from 3 submitters: Likely benign (2). 1 of the submissions does not count toward it. Last evaluated 2025-11-23.

Conditions:
DSE-related disorder. Also called: DSE-related condition.
Ehlers-Danlos syndrome, musculocontractural type 2 (EDSMC2). Identifiers: Orphanet 2953, MedGen C3809845, MONDO:0014236, OMIM 615539.

Allele frequency attached by ClinVar (database versions not stated): TOPMed 0.00005; 1000 Genomes Project 30x 0.00016; 1000 Genomes Project 0.00020; gnomAD 0.00003; gnomAD exomes 0.00018; ExAC 0.00002.
gnomAD v4.1: 261 of 1,614,078 alleles (0.016%); highest among the groups gnomAD compares: Non-Finnish European, 0.022%; no homozygotes.

Submissions (3):

Labcorp Genetics (formerly Invitae), Labcorp
Classification: Likely benign for Ehlers-Danlos syndrome, musculocontractural type 2. Last evaluated: 2025-11-23. Review status: criteria provided, single submitter. Criteria: Invitae Variant Classification Sherloc (09022015). Collection method: clinical testing. Allele origin: germline.

Women's Health and Genetics/Laboratory Corporation of America, LabCorp
Classification: Likely benign. Last evaluated: 2025-10-16. Review status: criteria provided, single submitter. Criteria: LabCorp Variant Classification Summary - May 2015. Collection method: clinical testing. Allele origin: germline.

PreventionGenetics, part of Exact Sciences
Classification: Likely benign for DSE-related condition. Last evaluated: 2023-12-29. Review status: no assertion criteria provided. Collection method: clinical testing. Allele origin: germline. Not counted in ClinVar's aggregate classification.
Comment: This variant is classified as likely benign based on ACMG/AMP sequence variant interpretation guidelines (Richards et al. 2015 PMID: 25741868, with internal and published modifications).

NM_013352.4(DSE):c.714C>T (p.Thr238=)

Gene: DSE (dermatan sulfate epimerase; plus strand). Cytogenetic location: 6q22.1.
Variant type: single nucleotide variant.
Coding change: c.714C>T on transcript NM_013352.4 (MANE Select); coding-DNA position 714, C replaced by T.
Protein change: p.Thr238=; no amino-acid change (threonine 238 retained).
Molecular consequence: synonymous variant. On other transcripts: 5 prime UTR variant (1), non-coding transcript variant (1), intron variant (2).
Genome position (GRCh38, 1-based): chr6:116,430,997, C>T. VCF-style: chr6-116430997-C-T. GRCh37 (hg19) VCF-style: chr6-116752160-C-T.
Other names: c.714C>T, p.Thr238= (NM_001080976.3, NM_001322937.2, NM_001322938.2 and 2 more transcripts); c.771C>T, p.Thr257= (NM_001322939.2); c.153C>T, p.Thr51= (NM_001322940.2, NM_001322941.2); c.-150C>T (NM_001374520.1); c.83+4170C>T (NM_001374521.1); c.670+4170C>T (NM_001322943.2); c.714C>T (NM_013352.3).
Identifiers: ClinVar variation 2722759 (VCV002722759.6), dbSNP rs577834283, ClinGen allele CA3969563.